The following is an entry in ClinVar:

NM_004813.4(PEX16):c.418C>G (p.Pro140Ala)

Gene: PEX16 (peroxisomal biogenesis factor 16; minus strand). Cytogenetic location: 11p11.2.
Variant type: single nucleotide variant.
Coding change: c.418C>G on transcript NM_004813.4 (MANE Select); coding-DNA position 418, C replaced by G.
Protein change: p.Pro140Ala; replaces proline 140 with alanine.
Molecular consequence: missense variant.
Genome position (GRCh38, 1-based): chr11:45,915,510, G>C on the plus strand (C>G on the coding strand, the complement: PEX16 is on the minus strand). VCF-style: chr11-45915510-G-C. GRCh37 (hg19) VCF-style: chr11-45937061-G-C.
Other names: c.418C>G (NM_004813.2); c.418C>G, p.Pro140Ala (NM_057174.3); short protein forms P140A.
Identifiers: ClinVar variation 1439234 (VCV001439234.4), dbSNP rs749891033, ClinGen allele CA5959982.
Genomic context (GRCh38, chr11:45,915,510, plus strand): 5'-CTTGGGGAAGTAGCTCACCCGGGGGCTGTGCCTGGGTCTCTCTGTCCAGTGGAACGATAG[G>C]GGGTGAAGTCTGGAGGCCAGCCTTGAACCAGAGCAGCAGGAGCATCCGCAGTACAGCCCT-3'
Protein context (NP_004804.2, residues 130-150): WFKAGLQTSP[Pro140Ala]IVPLDRETQA

ClinVar aggregate classification (germline): Uncertain significance. Review status: criteria provided, multiple submitters, no conflicts (2 of 4 stars). 2 submissions from 2 submitters: Uncertain significance (2). Last evaluated 2026-02-18.

Conditions:
PEX16-related disorder. Also called: PEX16-related condition.
Peroxisome biogenesis disorder. Identifiers: Orphanet 79189, MedGen C1832200, MONDO:0019234. Disease mechanism: loss of function.

Allele frequency attached by ClinVar (database versions not stated): ExAC 0.00002.

Submissions (2):

PreventionGenetics, part of Exact Sciences
Classification: Uncertain significance for PEX16-related condition. Last evaluated: 2026-02-18. Review status: criteria provided, single submitter. Criteria: ACMG Guidelines, 2015. Collection method: clinical testing. Allele origin: germline.
Comment: The PEX16 c.418C>G variant is predicted to result in the amino acid substitution p.Pro140Ala. To our knowledge, this variant has not been reported in the literature. This variant is reported in 0.010% of alleles in individuals of East Asian descent in gnomAD. At this time, the clinical significance of this variant is uncertain due to the absence of conclusive functional and genetic evidence.

Labcorp Genetics (formerly Invitae), Labcorp
Classification: Uncertain significance for Peroxisome biogenesis disorder. Last evaluated: 2022-05-05. Review status: criteria provided, single submitter. Criteria: Invitae Variant Classification Sherloc (09022015). Collection method: clinical testing. Allele origin: germline.
Comment: This sequence change replaces proline, which is neutral and non-polar, with alanine, which is neutral and non-polar, at codon 140 of the PEX16 protein (p.Pro140Ala). This variant is present in population databases (rs749891033, gnomAD 0.01%). This variant has not been reported in the literature in individuals affected with PEX16-related conditions. Algorithms developed to predict the effect of missense changes on protein structure and function are either unavailable or do not agree on the potential impact of this missense change (SIFT: "Tolerated"; PolyPhen-2: "Possibly Damaging"; Align-GVGD: "Class C0"). In summary, the available evidence is currently insufficient to determine the role of this variant in disease. Therefore, it has been classified as a Variant of Uncertain Significance.